The following is an entry in ClinVar:

ClinVar aggregate classification (germline): Uncertain significance (1 of 4 stars; one submission).

gnomAD v4.1: 16 of 1,614,228 alleles (0.00099%); highest among the groups gnomAD compares: Non-Finnish European, 0.0014%; no homozygotes.

Submission:

Women's Health and Genetics/Laboratory Corporation of America, LabCorp
Classification: Uncertain significance. Last evaluated: 2025-08-07. Review status: criteria provided, single submitter. Criteria: LabCorp Variant Classification Summary - May 2015. Collection method: clinical testing. Allele origin: germline.
Comment: Variant summary: TGM6 c.1190C>T (p.Ala397Val) results in a non-conservative amino acid change in the encoded protein sequence. Algorithms developed to predict the effect of missense changes on protein structure and function all suggest that this variant is likely to be disruptive. The variant allele was found at a frequency of 1.2e-05 in 251450 control chromosomes. The available data on variant occurrences in the general population are insufficient to allow any conclusion about variant significance. To our knowledge, no occurrence of c.1190C>T in individuals affected with Spinocerebellar Ataxia 35 and no experimental evidence demonstrating its impact on protein function have been reported. ClinVar contains an entry for this variant (Variation ID: 3068841). Based on the evidence outlined above, the variant was classified as uncertain significance.

NM_198994.3(TGM6):c.1190C>T (p.Ala397Val)

Gene: TGM6 (transglutaminase 6; plus strand). Cytogenetic location: 20p13.
Variant type: single nucleotide variant.
Coding change: c.1190C>T on transcript NM_198994.3 (MANE Select); coding-DNA position 1190, C replaced by T.
Protein change: p.Ala397Val; replaces alanine 397 with valine.
Molecular consequence: missense variant.
Genome position (GRCh38, 1-based): chr20:2,403,677, C>T. VCF-style: chr20-2403677-C-T. GRCh37 (hg19) VCF-style: chr20-2384323-C-T.
Other names: c.1190C>T, p.Ala397Val (NM_001254734.2); short protein forms A397V.
Identifiers: ClinVar variation 3068841 (VCV003068841.3), dbSNP rs766380908, ClinGen allele CA408012955.
Genomic context (GRCh38, chr20:2,403,677, plus strand): 5'-TCCGCGAGGGTGATGTGCACCTGGCTCACGATGGCCCCTTCGTGTTTGCGGAGGTCAACG[C>T]CGACTACATCACCTGGCTGTGGCACGAGGATGAGAGCCGGGAGCGTGTATACTCAAACAC-3'
Protein context (NP_945345.2, residues 387-407): DGPFVFAEVN[Ala397Val]DYITWLWHED